The following is an entry in ClinVar:

NM_014000.3(VCL):c.1720T>C (p.Ser574Pro)

Gene: VCL (vinculin; plus strand). Cytogenetic location: 10q22.2.
Variant type: single nucleotide variant.
Coding change: c.1720T>C on transcript NM_014000.3 (MANE Select); coding-DNA position 1720, T replaced by C.
Protein change: p.Ser574Pro; replaces serine 574 with proline.
Molecular consequence: missense variant.
Genome position (GRCh38, 1-based): chr10:74,095,832, T>C. VCF-style: chr10-74095832-T-C. GRCh37 (hg19) VCF-style: chr10-75855590-T-C.
Other names: c.1720T>C, p.Ser574Pro (NM_003373.4); short protein forms S574P.
Identifiers: ClinVar variation 1356752 (VCV001356752.8), dbSNP rs2131916488, ClinGen allele CA377275218.

ClinVar aggregate classification (germline): Uncertain significance (1 of 4 stars; one submission).

Conditions:
Dilated cardiomyopathy 1W (CMD1W). Identifiers: Orphanet 154, MedGen C1969639, MONDO:0012667, OMIM 611407.

Submission:

Labcorp Genetics (formerly Invitae), Labcorp
Classification: Uncertain significance for Dilated cardiomyopathy 1W. Last evaluated: 2021-06-21. Review status: criteria provided, single submitter. Criteria: Invitae Variant Classification Sherloc (09022015). Collection method: clinical testing. Allele origin: germline.
Comment: In summary, the available evidence is currently insufficient to determine the role of this variant in disease. Therefore, it has been classified as a Variant of Uncertain Significance. Algorithms developed to predict the effect of missense changes on protein structure and function are either unavailable or do not agree on the potential impact of this missense change (SIFT: "Not Available"; PolyPhen-2: "Benign"; Align-GVGD: "Not Available"). This variant has not been reported in the literature in individuals with VCL-related conditions. This variant is not present in population databases (ExAC no frequency). This sequence change replaces serine with proline at codon 574 of the VCL protein (p.Ser574Pro). The serine residue is moderately conserved and there is a moderate physicochemical difference between serine and proline.